The following is an entry in ClinVar:

ClinVar aggregate classification (germline): Uncertain significance. Review status: criteria provided, multiple submitters, no conflicts (2 of 4 stars). 2 submissions from 2 submitters: Uncertain significance (2). Last evaluated 2025-05-18.

Conditions:
Cardiovascular phenotype. Identifiers: MedGen CN230736.

Allele frequency attached by ClinVar (database versions not stated): ExAC 0.00001; TOPMed 0.00002; gnomAD 0.00001; ESP Exome Variant Server 0.00008.
gnomAD v4.1: 22 of 1,500,918 alleles (0.0015%); highest among the groups gnomAD compares: Non-Finnish European, 0.0019%; no homozygotes.

Submissions (2):

Mayo Clinic Laboratories, Mayo Clinic
Classification: Uncertain significance. Last evaluated: 2025-05-18. Review status: criteria provided, single submitter. Criteria: ACMG Guidelines, 2015. Collection method: clinical testing. Allele origin: germline. Observed: 1 variant allele.
Comment: PM2_supporting

Ambry Genetics
Classification: Uncertain significance for Cardiovascular phenotype. Last evaluated: 2023-06-28. Review status: criteria provided, single submitter. Criteria: Ambry Variant Classification Scheme 2023. Collection method: clinical testing. Allele origin: germline.
Comment: The c.403+3G>A intronic variant results from a G to A substitution 3 nucleotides after coding exon 1 in the TNXB gene. This nucleotide position is not well conserved in available vertebrate species. In silico splice site analysis predicts that this alteration will not have any significant effect on splicing. Since supporting evidence is limited at this time, the clinical significance of this alteration remains unclear.

NM_001365276.2(TNXB):c.403+3G>A

Gene: TNXB (tenascin XB; minus strand). Cytogenetic location: 6p21.33.
Variant type: single nucleotide variant.
Coding change: c.403+3G>A on transcript NM_001365276.2 (MANE Select); 3 bases into the intron after coding-DNA position 403, G replaced by A.
Molecular consequence: intron variant.
Genome position (GRCh38, 1-based): chr6:32,097,793, C>T on the plus strand (G>A on the coding strand, the complement: TNXB is on the minus strand). VCF-style: chr6-32097793-C-T. GRCh37 (hg19) VCF-style: chr6-32065570-C-T.
Other names: p.?; c.403+3G>A (NM_019105.8).
Identifiers: ClinVar variation 1737199 (VCV001737199.4), dbSNP rs375275840, ClinGen allele CA3735859.